The following is an entry in ClinVar:

NM_005271.5(GLUD1):c.1501T>C (p.Ser501Pro)

Gene: GLUD1 (glutamate dehydrogenase 1; minus strand). Cytogenetic location: 10q23.2.
Variant type: single nucleotide variant.
Coding change: c.1501T>C on transcript NM_005271.5 (MANE Select); coding-DNA position 1501, T replaced by C.
Protein change: p.Ser501Pro; replaces serine 501 with proline.
Molecular consequence: missense variant.
Genome position (GRCh38, 1-based): chr10:87,053,398, A>G on the plus strand (T>C on the coding strand, the complement: GLUD1 is on the minus strand). VCF-style: chr10-87053398-A-G. GRCh37 (hg19) VCF-style: chr10-88813155-A-G.
Other names: S448P; c.1102T>C, p.Ser368Pro (NM_001318900.1); c.1000T>C, p.Ser334Pro (NM_001318901.1, NM_001318902.1, NM_001318904.2 and 2 more transcripts); c.1501T>C (NM_005271.3, NM_005271.4); short protein forms S501P, S334P, S368P.
Identifiers: ClinVar variation 16123 (VCV000016123.3), dbSNP rs121909732, ClinGen allele CA257425.

ClinVar aggregate classification (germline): Conflicting classifications of pathogenicity. Review status: criteria provided, conflicting classifications (1 of 4 stars). 3 submissions from 3 submitters: Likely pathogenic (1); Uncertain significance (1). 1 of the submissions does not count toward it. Last evaluated 2025-11-22.

Conditions:
GLUD1-related disorder. Also called: GLUD1-related condition.
Hyperinsulinism-hyperammonemia syndrome (HHF6). Identifiers: Orphanet 35878, MedGen C1847555, MONDO:0011717, OMIM 606762.

Submissions (3):

PreventionGenetics, part of Exact Sciences
Classification: Likely pathogenic for GLUD1-related condition. Last evaluated: 2025-11-22. Review status: criteria provided, single submitter. Criteria: ACMG Guidelines, 2015. Collection method: clinical testing. Allele origin: germline.
Comment: The GLUD1 c.1501T>C variant is predicted to result in the amino acid substitution p.Ser501Pro. This varianthas been reported in individuals with hyperinsulinism hyperammonemia syndrome (referred to as Ser→Pro at 448 in Stanley et al. 1998. PubMed ID: 9571255; referred to as c.1342T>C;p.Ser448Pro(p.S448P) in Vuralli et al. 2021. PubMed ID: 35342475). This variant has been shown to impact protein function (Fang et al. 2002. PubMed ID: 11903050). This variant has not been reported in a large population database (gnomAD), indicating this variant is rare. This variant is interpreted as likely pathogenic.

GeneDx
Classification: Uncertain significance. Last evaluated: 2024-05-31. Review status: criteria provided, single submitter. Criteria: GeneDx Variant Classification Process June 2021. Collection method: clinical testing. Allele origin: germline. Affected: yes.
Comment: Not observed at significant frequency in large population cohorts (gnomAD); In silico analysis supports that this missense variant has a deleterious effect on protein structure/function; This variant is associated with the following publications: (PMID: 9843361, 9469993, 35342475, 9571255)

OMIM
Classification: Pathogenic for HYPERINSULINEMIC HYPOGLYCEMIA, FAMILIAL, 6. Last evaluated: 1998-12-01. Review status: no assertion criteria provided. Collection method: literature only. Allele origin: germline. Not counted in ClinVar's aggregate classification.

Literature cited by the submitters: PubMed 9571255 (cited by OMIM); PubMed 9469993 (cited by OMIM); PubMed 9843361 (cited by OMIM).